The following is an entry in ClinVar:

NM_013254.4(TBK1):c.2100G>T (p.Val700=)

Gene: TBK1 (TANK binding kinase 1; plus strand). Cytogenetic location: 12q14.2.
Variant type: single nucleotide variant.
Coding change: c.2100G>T on transcript NM_013254.4 (MANE Select); coding-DNA position 2100, G replaced by T.
Protein change: p.Val700=; no amino-acid change (valine 700 retained).
Molecular consequence: synonymous variant.
Genome position (GRCh38, 1-based): chr12:64,498,001, G>T. VCF-style: chr12-64498001-G-T. GRCh37 (hg19) VCF-style: chr12-64891781-G-T.
Identifiers: ClinVar variation 3047838 (VCV003047838.4), dbSNP rs773039023, ClinGen allele CA6669258.
Genomic context (GRCh38, chr12:64,498,001, plus strand): 5'-AGCAAAGGTGCTTGTTTATTTTATTAGTATGAAGAAATTAAAGGAAGAGATGGAAGGGGT[G>T]GTTAAAGAACTTGCTGAAAATAACCACATTTTAGAAAGGTGAGTAATGCAAAAATAATTA-3'
Protein context (NP_037386.1, residues 690-710): MKKLKEEMEG[Val700=]VKELAENNHI

ClinVar aggregate classification (germline): Likely benign. Review status: criteria provided, single submitter (1 of 4 stars). 2 submissions from 2 submitters: Likely benign (1). 1 of the submissions does not count toward it. Last evaluated 2026-01-13.

Conditions:
Frontotemporal dementia and/or amyotrophic lateral sclerosis 4. Also called: FTDALS4. Identifiers: Orphanet 275872, MedGen C4225325, MONDO:0014641, OMIM 616439.
TBK1-related disorder. Also called: TBK1-related condition.

Allele frequency attached by ClinVar (database versions not stated): ExAC 0.00002; TOPMed 0.00011.
gnomAD v4.1: 43 of 1,597,090 alleles (0.0027%); highest among the groups gnomAD compares: African/African-American, 0.024%; no homozygotes.

Submissions (2):

Labcorp Genetics (formerly Invitae), Labcorp
Classification: Likely benign for Frontotemporal dementia and/or amyotrophic lateral sclerosis 4. Last evaluated: 2026-01-13. Review status: criteria provided, single submitter. Criteria: Invitae Variant Classification Sherloc (09022015). Collection method: clinical testing. Allele origin: germline.

PreventionGenetics, part of Exact Sciences
Classification: Likely benign for TBK1-related condition. Last evaluated: 2023-05-24. Review status: no assertion criteria provided. Collection method: clinical testing. Allele origin: germline. Not counted in ClinVar's aggregate classification.
Comment: This variant is classified as likely benign based on ACMG/AMP sequence variant interpretation guidelines (Richards et al. 2015 PMID: 25741868, with internal and published modifications).